The following is an entry in ClinVar:

NC_000007.13:g.(?_75608749)_(75610510_?)del

Gene: POR (cytochrome p450 oxidoreductase; plus strand). Cytogenetic location: 7q11.23.
Variant type: Deletion.
Identifiers: ClinVar variation 3245781 (VCV003245781.1).

ClinVar aggregate classification (germline): Pathogenic (1 of 4 stars; one submission).

Conditions:
Congenital adrenal hyperplasia due to cytochrome P450 oxidoreductase deficiency. Also called: DISORDERED STEROIDOGENESIS DUE TO POR DEFICIENCY. Identifiers: Orphanet 95699, MedGen C1860042, MONDO:0013310, OMIM 613571.

Submission:

Labcorp Genetics (formerly Invitae), Labcorp
Classification: Pathogenic for Congenital adrenal hyperplasia due to cytochrome P450 oxidoreductase deficiency. Last evaluated: 2023-02-22. Review status: criteria provided, single submitter. Criteria: Invitae Variant Classification Sherloc (09022015). Collection method: clinical testing. Allele origin: unknown.
Comment: This variant is a gross deletion of the genomic region encompassing exon(s) 4-6 of the POR gene. This deletion is out-of-frame, and is expected to create a premature termination codon and result in an absent or disrupted protein product. Loss-of-function variants in POR are known to be pathogenic (PMID: 14758361, 20732302, 21741353). This variant has not been reported in the literature in individuals affected with POR-related conditions. For these reasons, this variant has been classified as Pathogenic.

Literature cited by the submitters: PubMed 14758361; PubMed 20732302; PubMed 21741353.